The following is an entry in ClinVar:

NM_000548.5(TSC2):c.708C>T (p.Leu236=)

Gene: TSC2 (TSC complex subunit 2; plus strand). Cytogenetic location: 16p13.3.
Variant type: single nucleotide variant.
Coding change: c.708C>T on transcript NM_000548.5 (MANE Select); coding-DNA position 708, C replaced by T.
Protein change: p.Leu236=; no amino-acid change (leucine 236 retained).
Molecular consequence: synonymous variant.
Genome position (GRCh38, 1-based): chr16:2,056,703, C>T. VCF-style: chr16-2056703-C-T. GRCh37 (hg19) VCF-style: chr16-2106704-C-T.
Other names: c.708C>T, p.Leu236= (NM_001077183.3, NM_001114382.3, NM_001363528.2 and 3 more transcripts); c.597C>T, p.Leu199= (NM_001318827.2); c.561C>T, p.Leu187= (NM_001318829.2); c.108C>T, p.Leu36= (NM_001318831.2); c.741C>T, p.Leu247= (NM_001318832.2); c.708C>T (NM_000548.4).
Identifiers: ClinVar variation 184237 (VCV000184237.67), dbSNP rs756121647, ClinGen allele CA022830.
Genomic context (GRCh38, chr16:2,056,703, plus strand): 5'-GGTCTCCCTGCAGGTGCTGGACGCCGTGGTCTGCTACAACTGCCTGCCGGCTGAGAGCCT[C>T]CCGCTGTTCATCGTTACCCTCTGTCGCACCATCAACGTCAAGGAGCTCTGCGAGCCTTGC-3'
Protein context (NP_000539.2, residues 226-246): VCYNCLPAES[Leu236=]PLFIVTLCRT

ClinVar aggregate classification (germline): Benign/Likely benign. Review status: criteria provided, multiple submitters, no conflicts (2 of 4 stars). 12 submissions from 12 submitters: Benign (5); Likely benign (7). Last evaluated 2026-06-01.

Conditions:
TSC2-related disorder. Also called: TSC2-Related Disorders; TSC2-related condition.
Hereditary cancer-predisposing syndrome. Also called: Tumor predisposition; Neoplastic Syndromes, Hereditary; Hereditary Cancer Syndrome; Hereditary neoplastic syndrome. Identifiers: Orphanet 140162, MedGen C0027672, MeSH D009386, MONDO:0015356.
Tuberous sclerosis syndrome (TSC). Also called: Tuberous Sclerosis Complex; Tuberous sclerosis. Identifiers: Orphanet 805, MedGen C0041341, MONDO:0001734.
Tuberous sclerosis 2 (TSC2). Identifiers: Orphanet 805, MedGen C1860707, MONDO:0013199, OMIM 613254.

Allele frequency attached by ClinVar (database versions not stated): gnomAD exomes 0.00004 and 0.00012; gnomAD 0.00006 and 0.00007; ExAC 0.00011; TOPMed 0.00011.
gnomAD v4.1: 80 of 1,612,562 alleles (0.005%); highest among the groups gnomAD compares: Middle Eastern, 0.016%; no homozygotes.

Submissions (12):

CeGaT Center for Human Genetics Tuebingen
Classification: Likely benign. Last evaluated: 2026-06-01. Review status: criteria provided, single submitter. Criteria: CeGaT Center For Human Genetics Tuebingen Variant Classification Criteria Version 2. Collection method: clinical testing. Allele origin: germline. Affected: yes. Observed: 18 variant alleles.
Comment: TSC2: BP4, BP7

Labcorp Genetics (formerly Invitae), Labcorp
Classification: Benign for Tuberous sclerosis 2. Last evaluated: 2026-01-27. Review status: criteria provided, single submitter. Criteria: Invitae Variant Classification Sherloc (09022015). Collection method: clinical testing. Allele origin: germline.

PreventionGenetics, part of Exact Sciences
Classification: Likely benign for TSC2-related condition. Last evaluated: 2025-11-18. Review status: criteria provided, single submitter. Criteria: ACMG Guidelines, 2015. Collection method: clinical testing. Allele origin: germline.
Comment: This variant is classified as likely benign based on ACMG/AMP sequence variant interpretation guidelines (Richards et al. 2015 PMID: 25741868, with internal and published modifications).

Myriad Genetics, Inc.
Classification: Benign for Tuberous sclerosis 2. Last evaluated: 2025-05-09. Review status: criteria provided, single submitter. Criteria: Myriad Autosomal Dominant, Autosomal Recessive and X-Linked Classification Criteria (2023). Collection method: clinical testing. Allele origin: unknown.
Comment: This variant is considered benign. This variant is a silent/synonymous amino acid change and it is not expected to impact splicing.

Blueprint Genetics
Classification: Likely benign. Last evaluated: 2024-09-12. Review status: criteria provided, single submitter. Criteria: ACMG Guidelines, 2015. Collection method: clinical testing. Allele origin: germline.

All of Us Research Program, National Institutes of Health
Classification: Likely benign for Tuberous sclerosis syndrome. Last evaluated: 2024-01-11. Review status: criteria provided, single submitter. Criteria: ACMG Guidelines, 2015. Collection method: clinical testing. Allele origin: germline. Inheritance: Autosomal dominant inheritance. Observed: 26 variant alleles, 26 heterozygotes.
Comment: This study involves interpretation of variants in research participants for the purpose of population health screening. Participant phenotype was not available at the time of variant classification. Additional details can be found in publication PMID: 35346344, PMCID: PMC8962531

Color Diagnostics, LLC DBA Color Health
Classification: Likely benign for Tuberous sclerosis syndrome. Last evaluated: 2022-09-13. Review status: criteria provided, single submitter. Criteria: ACMG Guidelines, 2015. Collection method: clinical testing. Allele origin: germline.

Genome-Nilou Lab
Classification: Benign for Tuberous sclerosis 2. Last evaluated: 2021-11-07. Review status: criteria provided, single submitter. Criteria: ACMG Guidelines, 2015. Collection method: clinical testing. Allele origin: germline. Affected: no.

Sema4
Classification: Benign for Hereditary cancer-predisposing syndrome. Last evaluated: 2021-04-05. Review status: criteria provided, single submitter. Criteria: Sema4 Curation Guidelines. Collection method: curation. Allele origin: germline.

GeneDx
Classification: Benign. Last evaluated: 2019-08-29. Review status: criteria provided, single submitter. Criteria: GeneDx Variant Classification Process June 2021. Collection method: clinical testing. Allele origin: germline. Affected: yes.

Illumina Laboratory Services, Illumina
Classification: Likely benign for Tuberous sclerosis syndrome. Last evaluated: 2018-01-12. Review status: criteria provided, single submitter. Criteria: ICSL Variant Classification Criteria 13 December 2019. Collection method: clinical testing. Allele origin: germline.
Comment: This variant was observed in the ICSL laboratory as part of a predisposition screen in an ostensibly healthy population. It had not been previously curated by ICSL or reported in the Human Gene Mutation Database (HGMD: prior to June 1st, 2018), and was therefore a candidate for classification through an automated scoring system. Utilizing variant allele frequency, disease prevalence and penetrance estimates, and inheritance mode, an automated score was calculated to assess if this variant is too frequent to cause the disease. Based on the score and internal cut-off values, a variant classified as likely benign is not then subjected to further curation. The score for this variant resulted in a classification of likely benign for this disease.

Ambry Genetics
Classification: Likely benign for Hereditary cancer-predisposing syndrome. Last evaluated: 2014-12-17. Review status: criteria provided, single submitter. Criteria: Ambry Variant Classification Scheme 2023. Collection method: clinical testing. Allele origin: germline.